The following is an entry in ClinVar:

ClinVar aggregate classification (germline): Uncertain significance (0 of 4 stars; one submission).

Conditions:
MC3R-related disorder. Also called: MC3R-related condition.

Submission:

PreventionGenetics, part of Exact Sciences
Classification: Uncertain significance for MC3R-related condition. Last evaluated: 2024-06-24. Review status: no assertion criteria provided. Collection method: clinical testing. Allele origin: germline.
Comment: The MC3R c.749T>G variant is predicted to result in the amino acid substitution p.Val250Gly. This variant has been reported in one individual with early-onset obesity (patient SRR1750354 in Supplemental Table 4, Serra-Juhé et al. 2020. PubMed ID: 30926952). However, no additional studies were performed to help assess the pathogenicity of this variant. This variant is not present in the gnomAD general population database, indicating it is rare. At this time, the clinical significance of this variant is uncertain due to the absence of conclusive functional and genetic evidence.

NM_019888.3(MC3R):c.749T>G (p.Val250Gly)

Gene: MC3R (melanocortin 3 receptor; plus strand). Cytogenetic location: 20q13.2.
Variant type: single nucleotide variant.
Coding change: c.749T>G on transcript NM_019888.3 (MANE Select); coding-DNA position 749, T replaced by G.
Protein change: p.Val250Gly; replaces valine 250 with glycine.
Molecular consequence: missense variant.
Genome position (GRCh38, 1-based): chr20:56,249,592, T>G. VCF-style: chr20-56249592-T-G. GRCh37 (hg19) VCF-style: chr20-54824648-T-G.
Other names: short protein forms V250G.
Identifiers: ClinVar variation 3357429 (VCV003357429.1).